The following is an entry in ClinVar:

ClinVar aggregate classification (germline): Uncertain significance (1 of 4 stars; one submission).

Conditions:
Inborn genetic diseases. Identifiers: MedGen C0950123, MeSH D030342.

Submission:

Ambry Genetics
Classification: Uncertain significance for Inborn genetic diseases. Last evaluated: 2025-01-19. Review status: criteria provided, single submitter. Criteria: Ambry Variant Classification Scheme 2023. Collection method: clinical testing. Allele origin: germline.
Comment: The p.A136T variant (also known as c.406G>A), located in coding exon 3 of the SBDS gene, results from a G to A substitution at nucleotide position 406. The alanine at codon 136 is replaced by threonine, an amino acid with similar properties. This amino acid position is conserved. In addition, this alteration is predicted to be deleterious by in silico analysis. Based on the available evidence, the clinical significance of this variant remains unclear.

NM_016038.4(SBDS):c.406G>A (p.Ala136Thr)

Gene: SBDS (SBDS ribosome maturation factor; minus strand). Cytogenetic location: 7q11.21.
Variant type: single nucleotide variant.
Coding change: c.406G>A on transcript NM_016038.4 (MANE Select); coding-DNA position 406, G replaced by A.
Protein change: p.Ala136Thr; replaces alanine 136 with threonine.
Molecular consequence: missense variant.
Genome position (GRCh38, 1-based): chr7:66,993,270, C>T on the plus strand (G>A on the coding strand, the complement: SBDS is on the minus strand). VCF-style: chr7-66993270-C-T. GRCh37 (hg19) VCF-style: chr7-66458257-C-T.
Other names: short protein forms A136T.
Identifiers: ClinVar variation 3792718 (VCV003792718.1).